The following is an entry in ClinVar:

ClinVar aggregate classification (germline): Uncertain significance. Review status: criteria provided, multiple submitters, no conflicts (2 of 4 stars). 2 submissions from 2 submitters: Uncertain significance (2). Last evaluated 2025-09-01.

Conditions:
Charcot-Marie-Tooth disease type 2. Also called: Charcot-Marie-Tooth type 2. Identifiers: Orphanet 64746, MedGen C0270914, MONDO:0018993.
Inborn genetic diseases. Identifiers: MedGen C0950123, MeSH D030342.

Allele frequency attached by ClinVar (database versions not stated): ExAC 0.00001; gnomAD exomes 0.00001; gnomAD 0.00004; TOPMed 0.00001.
gnomAD v4.1: 70 of 1,612,922 alleles (0.0043%); highest among the groups gnomAD compares: Non-Finnish European, 0.0054%; no homozygotes.

Submissions (2):

Ambry Genetics
Classification: Uncertain significance for Inborn genetic diseases. Last evaluated: 2025-09-01. Review status: criteria provided, single submitter. Criteria: Ambry Variant Classification Scheme 2023. Collection method: clinical testing. Allele origin: germline.

Labcorp Genetics (formerly Invitae), Labcorp
Classification: Uncertain significance for Charcot-Marie-Tooth disease type 2. Last evaluated: 2018-04-24. Review status: criteria provided, single submitter. Criteria: Invitae Variant Classification Sherloc (09022015). Collection method: clinical testing. Allele origin: germline.
Comment: In summary, the available evidence is currently insufficient to determine the role of this variant in disease. Therefore, it has been classified as a Variant of Uncertain Significance. Algorithms developed to predict the effect of missense changes on protein structure and function (SIFT, PolyPhen-2, Align-GVGD) all suggest that this variant is likely to be tolerated, but these predictions have not been confirmed by published functional studies and their clinical significance is uncertain. This variant has not been reported in the literature in individuals with MED25-related disease. This variant is present in population databases (rs767118345, ExAC 0.002%). This sequence change replaces valine with isoleucine at codon 737 of the MED25 protein (p.Val737Ile). The valine residue is moderately conserved and there is a small physicochemical difference between valine and isoleucine.

NM_030973.4(MED25):c.2209G>A (p.Val737Ile)

Gene: MED25 (mediator complex subunit 25; plus strand). Cytogenetic location: 19q13.33.
Variant type: single nucleotide variant.
Coding change: c.2209G>A on transcript NM_030973.4 (MANE Select); coding-DNA position 2209, G replaced by A.
Protein change: p.Val737Ile; replaces valine 737 with isoleucine.
Molecular consequence: missense variant. On other transcripts: intron variant (1).
Genome position (GRCh38, 1-based): chr19:49,836,909, G>A. VCF-style: chr19-49836909-G-A. GRCh37 (hg19) VCF-style: chr19-50340166-G-A.
Other names: c.2146+503G>A (NM_001378355.1); short protein forms V737I.
Identifiers: ClinVar variation 570171 (VCV000570171.8), dbSNP rs767118345, ClinGen allele CA9585550.
Genomic context (GRCh38, chr19:49,836,909, plus strand): 5'-CAGATGCTGCTGAGCGGGGGTCCCCGGGGCCCGGTCCCCCAGCCGGGCCTGCAGCCCAGC[G>A]TCATGGAGGACGACATCCTCATGGATCTCATCTGAATCCCCAACACCCAATAAAGTTCCT-3'
Protein context (NP_112235.2, residues 727-747): PVPQPGLQPS[Val737Ile]MEDDILMDLI